The following is an entry in ClinVar:

ClinVar aggregate classification (germline): Conflicting classifications of pathogenicity. Review status: criteria provided, conflicting classifications (1 of 4 stars). 5 submissions from 5 submitters: Uncertain significance (4); Likely benign (1). Last evaluated 2026-02-26.

Conditions:
Inborn genetic diseases. Identifiers: MedGen C0950123, MeSH D030342.
Autosomal recessive nonsyndromic hearing loss 42. Identifiers: Orphanet 90636, MedGen C1864818, MONDO:0012326, OMIM 609646.
ILDR1-related disorder. Also called: ILDR1-related condition.

Allele frequency attached by ClinVar (database versions not stated): gnomAD below 0.00001 and 0.00005; 1000 Genomes Project 0.00020; 1000 Genomes Project 30x 0.00094.
gnomAD v4.1: 119 of 1,536,120 alleles (0.0077%); highest among the groups gnomAD compares: South Asian, 0.13%; 1 homozygote.

Submissions (5):

PreventionGenetics, part of Exact Sciences
Classification: Likely benign for ILDR1-related condition. Last evaluated: 2026-02-26. Review status: criteria provided, single submitter. Criteria: ACMG Guidelines, 2015. Collection method: clinical testing. Allele origin: germline.
Comment: This variant is classified as likely benign based on ACMG/AMP sequence variant interpretation guidelines (Richards et al. 2015 PMID: 25741868, with internal and published modifications).

Labcorp Genetics (formerly Invitae), Labcorp
Classification: Uncertain significance. Last evaluated: 2025-08-04. Review status: criteria provided, single submitter. Criteria: Invitae Variant Classification Sherloc (09022015). Collection method: clinical testing. Allele origin: germline.
Comment: This sequence change replaces tryptophan, which is neutral and slightly polar, with cysteine, which is neutral and slightly polar, at codon 240 of the ILDR1 protein (p.Trp240Cys). This variant is present in population databases (rs544860151, gnomAD 0.1%). This variant has not been reported in the literature in individuals affected with ILDR1-related conditions. ClinVar contains an entry for this variant (Variation ID: 288918). An algorithm developed to predict the effect of missense changes on protein structure and function (PolyPhen-2) suggests that this variant is likely to be disruptive. In summary, the available evidence is currently insufficient to determine the role of this variant in disease. Therefore, it has been classified as a Variant of Uncertain Significance.

Revvity Omics, Revvity
Classification: Uncertain significance for Autosomal recessive nonsyndromic hearing loss 42. Last evaluated: 2023-11-02. Review status: criteria provided, single submitter. Criteria: ACMG Guidelines, 2015. Collection method: clinical testing. Allele origin: germline.

Ambry Genetics
Classification: Uncertain significance for Inborn genetic diseases. Last evaluated: 2021-08-13. Review status: criteria provided, single submitter. Criteria: Ambry Variant Classification Scheme 2023. Collection method: clinical testing. Allele origin: germline.

Eurofins Ntd Llc (ga)
Classification: Uncertain significance. Last evaluated: 2016-07-12. Review status: criteria provided, single submitter. Criteria: EGL Classification Definitions 2015. Collection method: clinical testing. Allele origin: germline. Observed: 1 variant allele, 1 heterozygote.

NM_001199799.2(ILDR1):c.720G>C (p.Trp240Cys)

Gene: ILDR1 (immunoglobulin like domain containing receptor 1; minus strand). Cytogenetic location: 3q13.33.
Variant type: single nucleotide variant.
Coding change: c.720G>C on transcript NM_001199799.2 (MANE Select); coding-DNA position 720, G replaced by C.
Protein change: p.Trp240Cys; replaces tryptophan 240 with cysteine.
Molecular consequence: missense variant. On other transcripts: intron variant (1).
Genome position (GRCh38, 1-based): chr3:121,994,240, C>G on the plus strand (G>C on the coding strand, the complement: ILDR1 is on the minus strand). VCF-style: chr3-121994240-C-G. GRCh37 (hg19) VCF-style: chr3-121713087-C-G.
Other names: c.453G>C, p.Trp151Cys (NM_001199800.2); c.647-270G>C (NM_175924.4); c.720G>C (NM_001199799.1); short protein forms W240C, W151C.
Identifiers: ClinVar variation 288918 (VCV000288918.10), dbSNP rs544860151, ClinGen allele CA2568857.